The following is an entry in ClinVar:

NM_198060.4(NRAP):c.1265G>A (p.Gly422Glu)

Gene: NRAP (nebulin related anchoring protein; minus strand). Cytogenetic location: 10q25.3.
Variant type: single nucleotide variant.
Coding change: c.1265G>A on transcript NM_198060.4 (MANE Select); coding-DNA position 1265, G replaced by A.
Protein change: p.Gly422Glu; replaces glycine 422 with glutamic acid.
Molecular consequence: missense variant.
Genome position (GRCh38, 1-based): chr10:113,641,423, C>T on the plus strand (G>A on the coding strand, the complement: NRAP is on the minus strand). VCF-style: chr10-113641423-C-T. GRCh37 (hg19) VCF-style: chr10-115401182-C-T.
Other names: c.1265G>A (NM_198060.3); c.1265G>A, p.Gly422Glu (NM_001261463.2, NM_001322945.2); c.1160G>A, p.Gly387Glu (NM_006175.5); short protein forms G387E, G422E.
Identifiers: ClinVar variation 783582 (VCV000783582.8), dbSNP rs145810864, ClinGen allele CA5695612.

ClinVar aggregate classification (germline): Benign/Likely benign. Review status: criteria provided, multiple submitters, no conflicts (2 of 4 stars). 5 submissions from 5 submitters: Benign (2); Likely benign (2). 1 of the submissions does not count toward it. Last evaluated 2025-04-09.

Conditions:
NRAP-related disorder. Also called: NRAP-related condition.

Allele frequency attached by ClinVar (database versions not stated): gnomAD exomes 0.00042 and 0.00105; ExAC 0.00114; gnomAD 0.00346 and 0.00369; ESP Exome Variant Server 0.00377; TOPMed 0.00390; 1000 Genomes Project 0.00399; 1000 Genomes Project 30x 0.00422.
gnomAD v4.1: 1,198 of 1,614,026 alleles (0.074%); highest among the groups gnomAD compares: African/African-American, 1.1%; 4 homozygotes.

Submissions (5):

Molecular Diagnostic Laboratory for Inherited Cardiovascular Disease, Montreal Heart Institute
Classification: Likely benign. Last evaluated: 2025-04-09. Review status: criteria provided, single submitter. Criteria: ACMG Guidelines, 2015. Collection method: clinical testing. Allele origin: germline. Affected: no.

Blueprint Genetics
Classification: Likely benign. Last evaluated: 2024-08-16. Review status: criteria provided, single submitter. Criteria: ACMG Guidelines, 2015. Collection method: clinical testing. Allele origin: germline.

Labcorp Genetics (formerly Invitae), Labcorp
Classification: Benign. Last evaluated: 2018-11-09. Review status: criteria provided, single submitter. Criteria: Invitae Variant Classification Sherloc (09022015). Collection method: clinical testing. Allele origin: germline.

Breakthrough Genomics
Classification: Benign. Review status: criteria provided, single submitter. Criteria: ACMG Guidelines, 2015. Collection method: not provided. Allele origin: germline. Inheritance: Unknown mechanism. Affected: yes.

PreventionGenetics, part of Exact Sciences
Classification: Likely benign for NRAP-related condition. Last evaluated: 2019-02-22. Review status: no assertion criteria provided. Collection method: clinical testing. Allele origin: germline. Not counted in ClinVar's aggregate classification.
Comment: This variant is classified as likely benign based on ACMG/AMP sequence variant interpretation guidelines (Richards et al. 2015 PMID: 25741868, with internal and published modifications).